The following is an entry in ClinVar:

ClinVar aggregate classification (germline): Likely pathogenic (1 of 4 stars; one submission).

Conditions:
Neurodevelopmental disorder with or without anomalies of the brain, eye, or heart (NEDBEH). Identifiers: Orphanet 494344, MedGen C5567477, MONDO:0014857, OMIM 616975.

Submission:

Division of Genetic & Genomic Pathology, Hong Kong Children's Hospital
Classification: Likely pathogenic for Neurodevelopmental disorder with or without anomalies of the brain, eye, or heart. Last evaluated: 2024-11-13. Review status: criteria provided, single submitter. Criteria: ACMG Guidelines, 2015. Collection method: clinical testing. Allele origin: germline. Affected: yes.
Comment: RERE:c.3091dup p.(Gln1031Profs*72) is a frameshift variant located in exon 18 (out of 23 exons) in the RERE gene. It is predicted to cause loss of normal protein function either by protein truncation or nonsense-mediated mRNA decay, and loss-of-function in RERE is a known disease-causing mechanism for RERE-related disorder. This variant is present in population controls at a very low frequency (gnomAD v4.1.0, 1 heterozygote in 540,510 alleles, absent in gnomAD v2.1.1). It has not been reported in ClinVar or Human Gene Mutation Database (HGMD, v2024.3). It has not been reported in patients with RERE-related diseases, but other loss-of-function variants, including downstream truncating variants, have been reported to be associated with neurodevelopmental disorder (PMID: 27087320, 29330883). For these reasons, this variant is classified as likely pathogenic.

Literature cited by the submitters: PubMed 27087320; PubMed 29330883.

NM_001042681.2(RERE):c.3091dup (p.Gln1031fs)

Gene: RERE (arginine-glutamic acid dipeptide repeats; minus strand). Cytogenetic location: 1p36.23.
Variant type: Duplication.
Coding change: c.3091dup on transcript NM_001042681.2 (MANE Select); coding-DNA position 3091, one base duplicated (C; older notation c.3091dupC).
Protein change: p.Gln1031fs; shifts the reading frame from glutamine 1031.
Molecular consequence: frameshift variant.
Genome position (GRCh38, 1-based): chr1:8,360,416, G duplicated on the plus strand (C on the coding strand, the reverse complement: RERE is on the minus strand); the first of 6 consecutive G bases (chr1:8,360,416-8,360,421); duplicating any one gives the same sequence. VCF-style (leftmost placement, unchanged base first): chr1-8360415-T-TG. GRCh37 (hg19) VCF-style: chr1-8420475-T-TG.
Other names: c.1429dup, p.Gln477fs (NM_001042682.2); c.3091dup, p.Gln1031fs (NM_012102.4); short protein forms Q1031fs, Q477fs.
Identifiers: ClinVar variation 4884402 (VCV004884402.1).